The following is an entry in ClinVar:

NM_000603.5(NOS3):c.2567G>A (p.Arg856His)

Gene: NOS3 (nitric oxide synthase 3; plus strand). Cytogenetic location: 7q36.1.
Variant type: single nucleotide variant.
Coding change: c.2567G>A on transcript NM_000603.5 (MANE Select); coding-DNA position 2567, G replaced by A.
Protein change: p.Arg856His; replaces arginine 856 with histidine.
Molecular consequence: missense variant.
Genome position (GRCh38, 1-based): chr7:151,010,169, G>A. VCF-style: chr7-151010169-G-A. GRCh37 (hg19) VCF-style: chr7-150707257-G-A.
Other names: short protein forms R856H.
Identifiers: ClinVar variation 723649 (VCV000723649.10), dbSNP rs201579252, ClinGen allele CA4567418.

ClinVar aggregate classification (germline): Likely benign. Review status: criteria provided, multiple submitters, no conflicts (2 of 4 stars). 2 submissions from 2 submitters: Likely benign (2). Last evaluated 2025-11-01.

Allele frequency attached by ClinVar (database versions not stated): TOPMed 0.00020; ExAC 0.00024; gnomAD exomes 0.00026 and 0.00007; 1000 Genomes Project 0.00040; 1000 Genomes Project 30x 0.00062; ESP Exome Variant Server 0.00008; gnomAD 0.00009 and 0.00010.
gnomAD v4.1: 117 of 1,611,172 alleles (0.0073%); highest among the groups gnomAD compares: East Asian, 0.2%; 1 homozygote.

Submissions (2):

CeGaT Center for Human Genetics Tuebingen
Classification: Likely benign. Last evaluated: 2025-11-01. Review status: criteria provided, single submitter. Criteria: CeGaT Center For Human Genetics Tuebingen Variant Classification Criteria Version 2. Collection method: clinical testing. Allele origin: germline. Affected: yes. Observed: 1 variant allele.
Comment: NOS3: BP4

Labcorp Genetics (formerly Invitae), Labcorp
Classification: Likely benign. Last evaluated: 2019-12-31. Review status: criteria provided, single submitter. Criteria: Invitae Variant Classification Sherloc (09022015). Collection method: clinical testing. Allele origin: germline.